The following is an entry in ClinVar:

ClinVar aggregate classification (germline): Uncertain significance (1 of 4 stars; one submission).

Allele frequency attached by ClinVar (database versions not stated): gnomAD exomes below 0.00001.
gnomAD v4.1: 1 of 1,612,458 alleles (0.000062%); highest among the groups gnomAD compares: Non-Finnish European, 0.000085%; no homozygotes.

Submission:

Labcorp Genetics (formerly Invitae), Labcorp
Classification: Uncertain significance. Last evaluated: 2023-07-19. Review status: criteria provided, single submitter. Criteria: Invitae Variant Classification Sherloc (09022015). Collection method: clinical testing. Allele origin: germline.
Comment: In summary, the available evidence is currently insufficient to determine the role of this variant in disease. Therefore, it has been classified as a Variant of Uncertain Significance. An algorithm developed to predict the effect of missense changes on protein structure and function (PolyPhen-2) suggests that this variant is likely to be disruptive. This variant has not been reported in the literature in individuals affected with NLRP1-related conditions. This variant is not present in population databases (gnomAD no frequency). This sequence change replaces proline, which is neutral and non-polar, with alanine, which is neutral and non-polar, at codon 1279 of the NLRP1 protein (p.Pro1279Ala).

NM_033004.4(NLRP1):c.3835C>G (p.Pro1279Ala)

Gene: NLRP1 (NLR family pyrin domain containing 1; minus strand). Cytogenetic location: 17p13.2.
Variant type: single nucleotide variant.
Coding change: c.3835C>G on transcript NM_033004.4 (MANE Select); coding-DNA position 3835, C replaced by G.
Protein change: p.Pro1279Ala; replaces proline 1279 with alanine.
Molecular consequence: missense variant. On other transcripts: intron variant (2).
Genome position (GRCh38, 1-based): chr17:5,520,961, G>C on the plus strand (C>G on the coding strand, the complement: NLRP1 is on the minus strand). VCF-style: chr17-5520961-G-C. GRCh37 (hg19) VCF-style: chr17-5424281-G-C.
Other names: c.3847C>G, p.Pro1283Ala (NM_001033053.3); c.3745C>G, p.Pro1249Ala (NM_033006.4); c.3693+563C>G (NM_033007.4); c.3783+563C>G (NM_014922.5); short protein forms P1249A, P1279A, P1283A.
Identifiers: ClinVar variation 2786299 (VCV002786299.3), dbSNP rs2507727737, ClinGen allele CA397388816.